The following is an entry in ClinVar:

ClinVar aggregate classification (germline): Conflicting classifications of pathogenicity. Review status: criteria provided, conflicting classifications (1 of 4 stars). 13 submissions from 13 submitters: Uncertain significance (9); Likely benign (3). 1 of the submissions does not count toward it. Last evaluated 2026-07-22.

Conditions:
CYP24A1-related disorder. Also called: CYP24A1-related condition.
Hypercalcemia, infantile, 1 (HCINF1). Identifiers: Orphanet 300547, MedGen CN031131, MONDO:0020739, OMIM 143880.

Allele frequency attached by ClinVar (database versions not stated): 1000 Genomes Project 0.00100; 1000 Genomes Project 30x 0.00125; TOPMed 0.00198.

Submissions (13):

GeneDx
Classification: Uncertain significance. Last evaluated: 2026-07-22. Review status: criteria provided, single submitter. Criteria: GeneDx Variant Classification Process June 2021. Collection method: clinical testing. Allele origin: germline.
Comment: Reported with a second variant (phase unknown) in a patient with infantile hypercalcemia, hypercalciuria and medullary nephrocalcinosis in published literature (PMID: 25446019); In silico analysis supports that this missense variant has a deleterious effect on protein structure/function; This variant is associated with the following publications: (PMID: 34426522, 34735369, 34805638, 25446019, 23293122, 34307984, 37163093, 38586466, 26214117, 31293618, 35282483, 36920900, 34313030, 38011198)

Rare Kidney Stone Consortium and the Mayo Clinic Hyperoxaluria Center, Mayo Clinic
Classification: Uncertain significance for Hypercalcemia, infantile, 1. Last evaluated: 2026-05-04. Review status: criteria provided, single submitter. Criteria: ACMG Guidelines, 2015. Collection method: research. Allele origin: germline. Affected: yes. Observed: 4 variant alleles.

PreventionGenetics, part of Exact Sciences
Classification: Uncertain significance for CYP24A1-related condition. Last evaluated: 2026-02-23. Review status: criteria provided, single submitter. Criteria: ACMG Guidelines, 2015. Collection method: clinical testing. Allele origin: germline.
Comment: The CYP24A1 c.469C>T variant is predicted to result in the amino acid substitution p.Arg157Trp. This variant was reported in at least four individuals with hypercalcemia and/or kidney stones along with a second potentially causative variant (Figueres. 2015. PubMed ID: 25446019; Hanna. 2021. PubMed ID: 34307984; Cogal. 2021. PubMed ID: 34805638) and as a single heterozygous variant in one individual with kidney stones (Trutin. 2022. PubMed ID: 35282483) and another individual with hypocalciuric hypercalcemia (García-Castaño et al. 2024. PubMed ID: 38586466). This variant is reported in 0.33% of alleles in individuals of European (non-Finnish) descent in gnomAD which is higher than expected for a primary cause of disease. At this time, the clinical significance of this variant is uncertain due to the absence of conclusive functional and genetic evidence.

Labcorp Genetics (formerly Invitae), Labcorp
Classification: Likely benign. Last evaluated: 2026-01-15. Review status: criteria provided, single submitter. Criteria: Invitae Variant Classification Sherloc (09022015). Collection method: clinical testing. Allele origin: germline.

Women's Health and Genetics/Laboratory Corporation of America, LabCorp
Classification: Likely benign. Last evaluated: 2025-10-02. Review status: criteria provided, single submitter. Criteria: LabCorp Variant Classification Summary - May 2015. Collection method: clinical testing. Allele origin: germline.
Comment: Variant summary: CYP24A1 c.469C>T (p.Arg157Trp) results in a non-conservative amino acid change in the encoded protein sequence. Algorithms developed to predict the effect of missense changes on protein structure and function are either unavailable or do not agree on the potential impact of this missense change. The variant allele was found at a frequency of 0.0028 in 1613766 control chromosomes in the gnomAD database, including 11 homozygotes. The observed variant frequency exceeds the estimated maximal expected allele frequency for disease-causing variants in CYP24A1. c.469C>T has been observed in individual(s) affected with Hypercalcemia (e.g. Cogal_2021, Figueres_2015, Trutin_2022). These report(s) do not provide unequivocal conclusions about association of the variant with Hypercalcemia, Infantile, 1. To our knowledge, no experimental evidence demonstrating an impact on protein function has been reported. The following publications have been ascertained in the context of this evaluation (PMID: 34805638, 25446019, 35282483). ClinVar contains an entry for this variant (Variation ID: 285894). Based on the evidence outlined above, the variant was classified as likely benign.

Blueprint Genetics
Classification: Uncertain significance. Last evaluated: 2024-11-18. Review status: criteria provided, single submitter. Criteria: ACMG Guidelines, 2015. Collection method: clinical testing. Allele origin: germline.

Revvity Omics, Revvity
Classification: Uncertain significance for Hypercalcemia, infantile, 1. Last evaluated: 2023-10-24. Review status: criteria provided, single submitter. Criteria: ACMG Guidelines, 2015. Collection method: clinical testing. Allele origin: germline.

CeGaT Center for Human Genetics Tuebingen
Classification: Likely benign. Last evaluated: 2023-08-01. Review status: criteria provided, single submitter. Criteria: CeGaT Center For Human Genetics Tuebingen Variant Classification Criteria Version 2. Collection method: clinical testing. Allele origin: germline. Affected: yes. Observed: 1 variant allele.
Comment: CYP24A1: BP4

Fulgent Genetics
Classification: Uncertain significance for Hypercalcemia, infantile, 1. Last evaluated: 2018-10-31. Review status: criteria provided, single submitter. Criteria: ACMG Guidelines, 2015. Collection method: clinical testing. Allele origin: unknown.

Illumina Laboratory Services, Illumina
Classification: Uncertain significance for Hypercalcemia, infantile, 1. Last evaluated: 2017-04-27. Review status: criteria provided, single submitter. Criteria: ICSL Variant Classification Criteria 13 December 2019. Collection method: clinical testing. Allele origin: germline.
Comment: This variant was observed as part of a predisposition screen in an ostensibly healthy population. A literature search was performed for the gene, cDNA change, and amino acid change (where applicable). Publications were found based on this search. However, the evidence from the literature, in combination with allele frequency data from public databases where available, was not sufficient to rule this variant in or out of causing disease. Therefore, this variant is classified as a variant of unknown significance.

Eurofins Ntd Llc (ga)
Classification: Uncertain significance. Last evaluated: 2016-02-02. Review status: criteria provided, single submitter. Criteria: EGL Classification Definitions 2015. Collection method: clinical testing. Allele origin: germline. Observed: 1 variant allele, 1 heterozygote.

Molecular Diagnostics Lab, Nemours Children's Health, Delaware
Classification: Uncertain significance. Last evaluated: 2014-08-25. Review status: criteria provided, single submitter. Criteria: ACMG Guidelines, 2015. Collection method: clinical testing. Allele origin: unknown. Affected: yes. Observed: 4 variant alleles. Clinical features observed: failure to thrive, Vitamin D deficiency.

Molecular Genetics Laboratory, Biobizkaia Health Research Institute
Classification: Uncertain significance for Hypercalcemia, infantile, 1. Last evaluated: 2024-03-08. Review status: no assertion criteria provided. Collection method: clinical testing. Allele origin: germline. Affected: yes. Not counted in ClinVar's aggregate classification.

Literature cited by the submitters: PubMed 34805638 (cited by Women's Health and Genetics/Laboratory Corporation of America, LabCorp); PubMed 25446019 (cited by Women's Health and Genetics/Laboratory Corporation of America, LabCorp and Illumina Laboratory Services, Illumina); PubMed 35282483 (cited by Women's Health and Genetics/Laboratory Corporation of America, LabCorp); PubMed 26214117 (cited by Illumina Laboratory Services, Illumina); PubMed 23293122 (cited by Illumina Laboratory Services, Illumina); PubMed 27394135 (cited by Illumina Laboratory Services, Illumina).

NM_000782.5(CYP24A1):c.469C>T (p.Arg157Trp)

Gene: CYP24A1 (cytochrome P450 family 24 subfamily A member 1; minus strand). Cytogenetic location: 20q13.2.
Variant type: single nucleotide variant.
Coding change: c.469C>T on transcript NM_000782.5 (MANE Select); coding-DNA position 469, C replaced by T.
Protein change: p.Arg157Trp; replaces arginine 157 with tryptophan.
Molecular consequence: missense variant.
Genome position (GRCh38, 1-based): chr20:54,171,651, G>A on the plus strand (C>T on the coding strand, the complement: CYP24A1 is on the minus strand). VCF-style: chr20-54171651-G-A. GRCh37 (hg19) VCF-style: chr20-52788190-G-A.
Other names: c.469C>T, p.Arg157Trp (NM_001128915.2); short protein forms R157W.
Identifiers: ClinVar variation 285894 (VCV000285894.59), dbSNP rs35873579, ClinGen allele CA9916142.
Genomic context (GRCh38, chr20:54,171,651, plus strand): 5'-TGTCCAGCTTCATCACTTCCCCTGGTTTCATTAGTTTCTTTTGAAAGGCACTCCGGACCC[G>A]CTGCCAGTCTTCCCCTTCCCTGTGAGAGAAGCAGGAATACATTTAGAGCACACTGAAAAG-3'
Protein context (NP_000773.2, residues 147-167): LLILEGEDWQ[Arg157Trp]VRSAFQKKLM